The following is an entry in ClinVar:

ClinVar aggregate classification (germline): Uncertain significance. Review status: criteria provided, multiple submitters, no conflicts (2 of 4 stars). 2 submissions from 2 submitters: Uncertain significance (2). Last evaluated 2024-04-23.

gnomAD v4.1: 96 of 1,194,699 alleles (0.008%); highest among the groups gnomAD compares: African/African-American, 0.018%; no homozygotes.

Submissions (2):

Ambry Genetics
Classification: Uncertain significance. Last evaluated: 2024-04-23. Review status: criteria provided, single submitter. Criteria: Ambry Variant Classification Scheme 2023. Collection method: clinical testing. Allele origin: germline.

Labcorp Genetics (formerly Invitae), Labcorp
Classification: Uncertain significance. Last evaluated: 2024-03-20. Review status: criteria provided, single submitter. Criteria: Invitae Variant Classification Sherloc (09022015). Collection method: clinical testing. Allele origin: germline.
Comment: This sequence change replaces arginine, which is basic and polar, with glutamine, which is neutral and polar, at codon 767 of the TBC1D8B protein (p.Arg767Gln). This variant is present in population databases (rs374568341, gnomAD 0.04%), and has an allele count higher than expected for a pathogenic variant. This variant has not been reported in the literature in individuals affected with TBC1D8B-related conditions. An algorithm developed to predict the effect of missense changes on protein structure and function (PolyPhen-2) suggests that this variant is likely to be tolerated. In summary, the available evidence is currently insufficient to determine the role of this variant in disease. Therefore, it has been classified as a Variant of Uncertain Significance.

NM_017752.3(TBC1D8B):c.2300G>A (p.Arg767Gln)

Gene: TBC1D8B (TBC1 domain family member 8B; plus strand). Cytogenetic location: Xq22.3.
Variant type: single nucleotide variant.
Coding change: c.2300G>A on transcript NM_017752.3 (MANE Select); coding-DNA position 2300, G replaced by A.
Protein change: p.Arg767Gln; replaces arginine 767 with glutamine.
Molecular consequence: missense variant.
Genome position (GRCh38, 1-based): chrX:106,854,244, G>A. VCF-style: chrX-106854244-G-A. GRCh37 (hg19) VCF-style: chrX-106097474-G-A.
Other names: short protein forms R767Q.
Identifiers: ClinVar variation 3324750 (VCV003324750.3).